The following is an entry in ClinVar:

NM_000540.3(RYR1):c.7098C>T (p.Pro2366=)

Gene: RYR1 (ryanodine receptor 1; plus strand). Cytogenetic location: 19q13.2.
Variant type: single nucleotide variant.
Coding change: c.7098C>T on transcript NM_000540.3 (MANE Select); coding-DNA position 7098, C replaced by T.
Protein change: p.Pro2366=; no amino-acid change (proline 2366 retained).
Molecular consequence: synonymous variant.
Genome position (GRCh38, 1-based): chr19:38,499,705, C>T. VCF-style: chr19-38499705-C-T. GRCh37 (hg19) VCF-style: chr19-38990345-C-T.
Other names: p.Pro2366=; c.7098C>T, p.Pro2366= (NM_001042723.2).
Identifiers: ClinVar variation 93285 (VCV000093285.30), dbSNP rs2229147, ClinGen allele CA024708.

ClinVar aggregate classification (germline): Benign/Likely benign. Review status: criteria provided, multiple submitters, no conflicts (2 of 4 stars). 15 submissions from 13 submitters: Benign (12); Likely benign (1). 2 of the submissions do not count toward it. Last evaluated 2026-02-04.

Conditions:
Malignant hyperthermia, susceptibility to, 1 (MHS1). Also called: Malignant hyperthermia suceptibility 1; Anesthesia related hyperthermia; Malignant hyperpyrexia; Fulminating hyperpyrexia; Pharmacogenic myopathy; RYR1-Related Malignant Hyperthermia Susceptibility. Identifiers: Orphanet 423, MedGen C2930980, MONDO:0007783, OMIM 145600.
Central core myopathy (CMYO1A). Also called: CONGENITAL MYOPATHY 1A, AUTOSOMAL DOMINANT, WITH SUSCEPTIBILITY TO MALIGNANT HYPERTHERMIA; Central core disease; Myopathy, central fibrillar. Identifiers: Orphanet 597, MedGen C5830701, MONDO:0007294, OMIM 117000.
Congenital multicore myopathy with external ophthalmoplegia (CMYO1B). Also called: MULTIMINICORE DISEASE WITH EXTERNAL OPHTHALMOPLEGIA; MULTICORE MYOPATHY; Minicore myopathy with external ophthalmoplegia; Congenital myopathy 1B, autosomal recessive; Minicore myopathy. Identifiers: Orphanet 598, Orphanet 98905, MedGen C1850674, MONDO:0009712, OMIM 255320, HP:0003789.
RYR1-related disorder. Also called: RYR1-related condition; RYR1-related disorders. Identifiers: MedGen CN239331.

Allele frequency attached by ClinVar (database versions not stated): ESP Exome Variant Server 0.09378; gnomAD 0.10248; TOPMed 0.10261; 1000 Genomes Project 0.12181; 1000 Genomes Project 30x 0.12274.
gnomAD v4.1: 100,217 of 1,600,814 alleles (6.3%); highest among the groups gnomAD compares: African/African-American, 17%; 4,028 homozygotes.

Submissions (15):

Labcorp Genetics (formerly Invitae), Labcorp
Classification: Benign for RYR1-related disorder. Last evaluated: 2026-02-04. Review status: criteria provided, single submitter. Criteria: Invitae Variant Classification Sherloc (09022015). Collection method: clinical testing. Allele origin: germline.

Blueprint Genetics
Classification: Likely benign. Last evaluated: 2024-11-28. Review status: criteria provided, single submitter. Criteria: ACMG Guidelines, 2015. Collection method: clinical testing. Allele origin: germline.

Color Diagnostics, LLC DBA Color Health
Classification: Benign for Malignant hyperthermia, susceptibility to, 1. Last evaluated: 2019-03-29. Review status: criteria provided, single submitter. Criteria: ACMG Guidelines, 2015. Collection method: clinical testing. Allele origin: germline.

PreventionGenetics, part of Exact Sciences
Classification: Benign. Last evaluated: 2018-04-02. Review status: criteria provided, single submitter. Criteria: ACMG Guidelines, 2015. Collection method: clinical testing. Allele origin: germline.

Illumina Laboratory Services, Illumina
Classification: Benign for Central core myopathy. Last evaluated: 2018-01-12. Review status: criteria provided, single submitter. Criteria: ICSL Variant Classification Criteria 13 December 2019. Collection method: clinical testing. Allele origin: germline.
Comment: This variant was observed in the ICSL laboratory as part of a predisposition screen in an ostensibly healthy population. It had not been previously curated by ICSL or reported in the Human Gene Mutation Database (HGMD: prior to June 1st, 2018), and was therefore a candidate for classification through an automated scoring system. Utilizing variant allele frequency, disease prevalence and penetrance estimates, and inheritance mode, an automated score was calculated to assess if this variant is too frequent to cause the disease. Based on the score and internal cut-off values, a variant classified as benign is not then subjected to further curation. The score for this variant resulted in a classification of benign for this disease.

Illumina Laboratory Services, Illumina
Classification: Benign for Malignant hyperthermia, susceptibility to, 1. Last evaluated: 2018-01-12. Review status: criteria provided, single submitter. Criteria: ICSL Variant Classification Criteria 13 December 2019. Collection method: clinical testing. Allele origin: germline.
Comment: the same text as in the submission from Illumina Laboratory Services, Illumina above.

Illumina Laboratory Services, Illumina
Classification: Benign for Congenital multicore myopathy with external ophthalmoplegia. Last evaluated: 2018-01-12. Review status: criteria provided, single submitter. Criteria: ICSL Variant Classification Criteria 13 December 2019. Collection method: clinical testing. Allele origin: germline.
Comment: the same text as in the submission from Illumina Laboratory Services, Illumina above.

Mayo Clinic Laboratories, Mayo Clinic
Classification: Benign. Last evaluated: 2017-08-24. Review status: criteria provided, single submitter. Criteria: ACMG Guidelines, 2015. Collection method: clinical testing. Allele origin: germline. Observed: 116 variant alleles.

GeneDx
Classification: Benign. Last evaluated: 2015-09-28. Review status: criteria provided, single submitter. Criteria: GeneDx Variant Classification (06012015). Collection method: clinical testing. Allele origin: germline. Affected: yes.
Comment: This variant is considered likely benign or benign based on one or more of the following criteria: it is a conservative change, it occurs at a poorly conserved position in the protein, it is predicted to be benign by multiple in silico algorithms, and/or has population frequency not consistent with disease.

Laboratory for Molecular Medicine, Mass General Brigham Personalized Medicine
Classification: Benign. Last evaluated: 2015-01-13. Review status: criteria provided, single submitter. Criteria: LMM Criteria. Collection method: clinical testing. Allele origin: germline. Observed: 1 variant allele.
Comment: p.Pro2366Pro in exon 44 of RYR1: This variant is not expected to have clinical s ignificance because it does not alter an amino acid residue and is not located w ithin the splice consensus sequence. It has been identified in 16.5% (728/4402) of African American chromosomes from a broad population by the NHLBI Exome Seque ncing Project (dbSNP rs2229147).

Genetic Services Laboratory, University of Chicago
Classification: Benign. Last evaluated: 2013-08-15. Review status: criteria provided, single submitter. Criteria: ACMG Guidelines, 2007. Collection method: clinical testing. Allele origin: germline. Inheritance: Autosomal unknown.

Eurofins Ntd Llc (ga)
Classification: Benign. Last evaluated: 2013-05-07. Review status: criteria provided, single submitter. Criteria: EGL Classification Definitions 2015. Collection method: clinical testing. Allele origin: germline. Observed: 8 variant alleles, 8 heterozygotes.

Breakthrough Genomics
Classification: Benign. Review status: criteria provided, single submitter. Criteria: ACMG Guidelines, 2015. Collection method: not provided. Allele origin: germline. Inheritance: Autosomal recessive inheritance. Affected: yes.

Department of Pathology and Laboratory Medicine, Sinai Health System
Classification: Uncertain significance. Review status: no assertion criteria provided. Collection method: clinical testing. Allele origin: unknown. Affected: yes. Study: The Canadian Open Genetics Repository (COGR). Not counted in ClinVar's aggregate classification.
Comment: Allele frequency is common in at least one population database (frequency: 18.853% in ExAC) based on the frequency threshold of 2.223% for this gene. Variant was observed in a homozygous state in population databases more than expected for disease. A synonymous variant not located in a splice region.

RYR1 database
No classification provided. Review status: no classification provided. Collection method: not provided. Allele origin: unknown. Not counted in ClinVar's aggregate classification.